The following is an entry in ClinVar:

NM_001384732.1(CPLANE1):c.1839A>C (p.Lys613Asn)

Gene: CPLANE1 (ciliogenesis and planar polarity effector complex subunit 1; minus strand). Cytogenetic location: 5p13.2.
Variant type: single nucleotide variant.
Coding change: c.1839A>C on transcript NM_001384732.1 (MANE Select); coding-DNA position 1839, A replaced by C.
Protein change: p.Lys613Asn; replaces lysine 613 with asparagine.
Molecular consequence: missense variant.
Genome position (GRCh38, 1-based): chr5:37,226,756, T>G on the plus strand (A>C on the coding strand, the complement: CPLANE1 is on the minus strand). VCF-style: chr5-37226756-T-G. GRCh37 (hg19) VCF-style: chr5-37226858-T-G.
Other names: c.1839A>C, p.Lys613Asn (NM_023073.4); short protein forms K613N.
Identifiers: ClinVar variation 279719 (VCV000279719.24), dbSNP rs533310477, ClinGen allele CA3239071.

ClinVar aggregate classification (germline): Conflicting classifications of pathogenicity. Review status: criteria provided, conflicting classifications (1 of 4 stars). 10 submissions from 10 submitters: Uncertain significance (8); Likely benign (1). 1 of the submissions does not count toward it. Last evaluated 2026-09-22.

Conditions:
CPLANE1-related disorder. Also called: CPLANE1-related condition.
Joubert syndrome 17 (JBTS17). Identifiers: Orphanet 475, MedGen C3553264, MONDO:0013824, OMIM 614615.
Orofaciodigital syndrome type 6 (OFD6). Also called: Oral-facial-digital syndrome type 6; Central polydactyly cleft lip/palate or lingual lump and psychomotor retardation; Y-shaped central metacarpal and cerebellar defect; Joubert syndrome with orofacialdigital anomalies; OROFACIODIGITAL SYNDROME VI; OFDS VI. Identifiers: Orphanet 2754, MedGen C2745997, MONDO:0010176, OMIM 277170.

Allele frequency attached by ClinVar (database versions not stated): gnomAD 0.00003; TOPMed 0.00005; 1000 Genomes Project 30x 0.00031; 1000 Genomes Project 0.00040.
gnomAD v4.1: 103 of 1,543,028 alleles (0.0067%); highest among the groups gnomAD compares: Middle Eastern, 1%; 2 homozygotes.

Submissions (10):

PreventionGenetics, part of Exact Sciences
Classification: Uncertain significance for CPLANE1-related condition. Last evaluated: 2026-09-22. Review status: criteria provided, single submitter. Criteria: ACMG Guidelines, 2015. Collection method: clinical testing. Allele origin: germline.
Comment: The CPLANE1 c.1839A>C variant is predicted to result in the amino acid substitution p.Lys613Asn. This variant has been reported in the homozygous state in an individual with a CPLANE1-related condition, and in a second affected individual with unknown zygosity (Alfares et al. 2017. PubMed ID: 28454995; Al-Dewik et al. 2019. PubMed ID: 30919572). This variant is reported in 0.017% of alleles in individuals of Latino descent in gnomAD. At this time, the clinical significance of this variant is uncertain due to the absence of conclusive functional and genetic evidence.

CeGaT Center for Human Genetics Tuebingen
Classification: Uncertain significance. Last evaluated: 2026-07-01. Review status: criteria provided, single submitter. Criteria: CeGaT Center For Human Genetics Tuebingen Variant Classification Criteria Version 2. Collection method: clinical testing. Allele origin: germline. Affected: yes. Observed: 1 variant allele.
Comment: CPLANE1: PM2, PM3:Supporting, PP3

Daryl Scott Lab, Baylor College of Medicine
Classification: Uncertain significance for CPLANE1-related disorder. Last evaluated: 2025-08-25. Review status: criteria provided, single submitter. Criteria: ACMG Guidelines, 2015. Collection method: clinical testing. Allele origin: paternal. Affected: yes. Observed: 1 heterozygote.
Comment: PM2, BP4

Women's Health and Genetics/Laboratory Corporation of America, LabCorp
Classification: Uncertain significance. Last evaluated: 2025-08-08. Review status: criteria provided, single submitter. Criteria: LabCorp Variant Classification Summary - May 2015. Collection method: clinical testing. Allele origin: germline.
Comment: Variant summary: CPLANE1 c.1839A>C (p.Lys613Asn) results in a non-conservative amino acid change in the encoded protein sequence. Algorithms developed to predict the effect of missense changes on protein structure and function all suggest that this variant is likely to be disruptive. The variant allele was found at a frequency of 5.5e-05 in 181048 control chromosomes. This frequency is not significantly higher than estimated for a pathogenic variant in CPLANE1 causing Joubert Syndrome And Related Disorders (5.5e-05 vs 0.0015), allowing no conclusion about variant significance. c.1839A>C has been reported in the literature in a homozygous individual diagnosed with Joubert Syndrome (Alfares_2017). These data indicate that the variant may be associated with disease. To our knowledge, no experimental evidence demonstrating an impact on protein function has been reported. The following publications have been ascertained in the context of this evaluation (PMID: 28454995, 30919572, 36763876). ClinVar contains an entry for this variant (Variation ID: 279719). Based on the evidence outlined above, the variant was classified as uncertain significance.

Blueprint Genetics
Classification: Uncertain significance. Last evaluated: 2024-09-20. Review status: criteria provided, single submitter. Criteria: ACMG Guidelines, 2015. Collection method: clinical testing. Allele origin: germline.

Labcorp Genetics (formerly Invitae), Labcorp
Classification: Uncertain significance. Last evaluated: 2022-05-04. Review status: criteria provided, single submitter. Criteria: Invitae Variant Classification Sherloc (09022015). Collection method: clinical testing. Allele origin: germline.
Comment: This sequence change replaces lysine, which is basic and polar, with asparagine, which is neutral and polar, at codon 613 of the CPLANE1 protein (p.Lys613Asn). This variant is present in population databases (rs533310477, gnomAD 0.02%). This missense change has been observed in individual(s) with Joubert syndrome (PMID: 28454995). ClinVar contains an entry for this variant (Variation ID: 279719). Algorithms developed to predict the effect of missense changes on protein structure and function are either unavailable or do not agree on the potential impact of this missense change (SIFT: "Deleterious"; PolyPhen-2: "Benign"; Align-GVGD: "Class C0"). In summary, the available evidence is currently insufficient to determine the role of this variant in disease. Therefore, it has been classified as a Variant of Uncertain Significance.

Fulgent Genetics
Classification: Uncertain significance for Orofaciodigital syndrome type 6; Joubert syndrome 17. Last evaluated: 2018-10-31. Review status: criteria provided, single submitter. Criteria: ACMG Guidelines, 2015. Collection method: clinical testing. Allele origin: unknown.

GeneDx
Classification: Likely benign. Last evaluated: 2018-05-25. Review status: criteria provided, single submitter. Criteria: GeneDx Variant Classification Process June 2021. Collection method: clinical testing. Allele origin: germline. Affected: yes.
Comment: This variant is associated with the following publications: (PMID: 28454995, 30919572)

Illumina Laboratory Services, Illumina
Classification: Uncertain significance for Joubert syndrome 17. Last evaluated: 2018-01-12. Review status: criteria provided, single submitter. Criteria: ICSL Variant Classification Criteria 13 December 2019. Collection method: clinical testing. Allele origin: germline.

Biochemical Molecular Genetic Laboratory, King Abdulaziz Medical City
Classification: Likely pathogenic for Joubert syndrome 17. Last evaluated: 2019-09-26. Review status: no assertion criteria provided. Collection method: clinical testing. Allele origin: germline. Affected: yes. Not counted in ClinVar's aggregate classification.

Literature cited by the submitters: PubMed 28454995 (cited by Women's Health and Genetics/Laboratory Corporation of America, LabCorp and Labcorp Genetics (formerly Invitae), Labcorp); PubMed 30919572 (cited by Women's Health and Genetics/Laboratory Corporation of America, LabCorp); PubMed 36763876 (cited by Women's Health and Genetics/Laboratory Corporation of America, LabCorp).